The following is an entry in ClinVar:

NM_000384.3(APOB):c.4021dup (p.Thr1341fs)

Gene: APOB (apolipoprotein B; minus strand). Cytogenetic location: 2p24.1.
Variant type: Duplication.
Coding change: c.4021dup on transcript NM_000384.3 (MANE Select); coding-DNA position 4021, one base duplicated (A; older notation c.4021dupA).
Protein change: p.Thr1341fs; shifts the reading frame from threonine 1341.
Molecular consequence: frameshift variant.
Genome position (GRCh38, 1-based): chr2:21,013,355, T duplicated on the plus strand (A on the coding strand, the reverse complement: APOB is on the minus strand). VCF-style (leftmost placement, unchanged base first): chr2-21013354-G-GT. GRCh37 (hg19) VCF-style: chr2-21236226-G-GT.
Other names: short protein forms T1341fs.
Identifiers: ClinVar variation 5019133 (VCV005019133.2).

ClinVar aggregate classification (germline): Likely pathogenic (1 of 4 stars; one submission).

Conditions:
Hypercholesterolemia, autosomal dominant, type B (FHCL2). Also called: Familial Hypercholesterolemia Type B; HYPERCHOLESTEROLEMIA, FAMILIAL, DUE TO LIGAND-DEFECTIVE APOLIPOPROTEIN B; Familial hypercholesterolemia 2; APOB-Related Familial Hypercholesterolemia, Autosomal Dominant; APOLIPOPROTEIN B-100, FAMILIAL DEFECTIVE; APOLIPOPROTEIN B-100, FAMILIAL LIGAND-DEFECTIVE. Identifiers: MedGen C1704417, MONDO:0007751, OMIM 144010.

Submission:

Juno Genomics, Hangzhou Juno Genomics, Inc
Classification: Likely pathogenic for Hypercholesterolemia, autosomal dominant, type B. Review status: criteria provided, single submitter. Criteria: ACMG Guidelines, 2015. Collection method: clinical testing. Allele origin: germline.
Comment: Absent from controls (or at extremely low frequency if recessive) in Genome Aggregation Database.;Null variant in a gene where loss of function (LOF) is a known mechanism of disease.